The following is an entry in ClinVar:

ClinVar aggregate classification (germline): Uncertain significance. Review status: criteria provided, multiple submitters, no conflicts (2 of 4 stars). 2 submissions from 2 submitters: Uncertain significance (2). Last evaluated 2023-04-18.

Conditions:
Hereditary cancer-predisposing syndrome. Also called: Hereditary neoplastic syndrome; Neoplastic Syndromes, Hereditary; Hereditary Cancer Syndrome; Tumor predisposition. Identifiers: Orphanet 140162, MedGen C0027672, MeSH D009386, MONDO:0015356.
Familial adenomatous polyposis 1 (FAP1). Also called: POLYPOSIS, ADENOMATOUS INTESTINAL; FAMILIAL ADENOMATOUS POLYPOSIS 1, ATTENUATED. Identifiers: MedGen C2713442, MONDO:0021056, OMIM 175100. Disease mechanism: loss of function.

Submissions (2):

Ambry Genetics
Classification: Uncertain significance for Hereditary cancer-predisposing syndrome. Last evaluated: 2023-04-18. Review status: criteria provided, single submitter. Criteria: Ambry Variant Classification Scheme 2023. Collection method: clinical testing. Allele origin: germline.
Comment: The p.K1628T variant (also known as c.4883A>C), located in coding exon 15 of the APC gene, results from an A to C substitution at nucleotide position 4883. The lysine at codon 1628 is replaced by threonine, an amino acid with similar properties. This amino acid position is conserved. In addition, in silico predictors for this gene do not accurately predict pathogenicity. Since supporting evidence is limited at this time, the clinical significance of this alteration remains unclear.

Labcorp Genetics (formerly Invitae), Labcorp
Classification: Uncertain significance for Familial adenomatous polyposis 1. Last evaluated: 2022-02-25. Review status: criteria provided, single submitter. Criteria: Invitae Variant Classification Sherloc (09022015). Collection method: clinical testing. Allele origin: germline.
Comment: This sequence change replaces lysine, which is basic and polar, with threonine, which is neutral and polar, at codon 1628 of the APC protein (p.Lys1628Thr). This variant is not present in population databases (gnomAD no frequency). This variant has not been reported in the literature in individuals affected with APC-related conditions. ClinVar contains an entry for this variant (Variation ID: 660095). Algorithms developed to predict the effect of missense changes on protein structure and function are either unavailable or do not agree on the potential impact of this missense change (SIFT: "Deleterious"; PolyPhen-2: "Probably Damaging"; Align-GVGD: "Class C0"). In summary, the available evidence is currently insufficient to determine the role of this variant in disease. Therefore, it has been classified as a Variant of Uncertain Significance.

NM_000038.6(APC):c.4883A>C (p.Lys1628Thr)

Gene: APC (APC regulator of Wnt signaling pathway; plus strand). Cytogenetic location: 5q22.2.
Variant type: single nucleotide variant.
Coding change: c.4883A>C on transcript NM_000038.6 (MANE Select); coding-DNA position 4883, A replaced by C.
Protein change: p.Lys1628Thr; replaces lysine 1628 with threonine.
Molecular consequence: missense variant.
Genome position (GRCh38, 1-based): chr5:112,840,477, A>C. VCF-style: chr5-112840477-A-C. GRCh37 (hg19) VCF-style: chr5-112176174-A-C.
Other names: c.4883A>C, p.Lys1628Thr (NM_001127510.3, NM_001354895.2); c.4829A>C, p.Lys1610Thr (NM_001127511.3); c.4937A>C, p.Lys1646Thr (NM_001354896.2); c.4913A>C, p.Lys1638Thr (NM_001354897.2); c.4808A>C, p.Lys1603Thr (NM_001354898.2); c.4799A>C, p.Lys1600Thr (NM_001354899.2); c.4760A>C, p.Lys1587Thr (NM_001354900.2); c.4706A>C, p.Lys1569Thr (NM_001354901.2); and 5 more; short protein forms K1345T, K1603T, K1537T, K1587T, K1628T, K1638T, K1468T, K1502T.
Identifiers: ClinVar variation 660095 (VCV000660095.12), dbSNP rs1580653653, ClinGen allele CA16032031.